The following is an entry in ClinVar:

NM_015087.5(SPART):c.1652C>T (p.Thr551Ile)

Gene: SPART (spartin; minus strand). Cytogenetic location: 13q13.3.
Variant type: single nucleotide variant.
Coding change: c.1652C>T on transcript NM_015087.5 (MANE Select); coding-DNA position 1652, C replaced by T.
Protein change: p.Thr551Ile; replaces threonine 551 with isoleucine.
Molecular consequence: missense variant.
Genome position (GRCh38, 1-based): chr13:36,312,226, G>A on the plus strand (C>T on the coding strand, the complement: SPART is on the minus strand). VCF-style: chr13-36312226-G-A. GRCh37 (hg19) VCF-style: chr13-36886363-G-A.
Other names: c.1652C>T, p.Thr551Ile (NM_001142294.2, NM_001142295.2, NM_001142296.2); short protein forms T551I.
Identifiers: ClinVar variation 2178086 (VCV002178086.4), dbSNP rs772034308, ClinGen allele CA6949326.

ClinVar aggregate classification (germline): Uncertain significance (1 of 4 stars; one submission).

Allele frequency attached by ClinVar (database versions not stated): TOPMed below 0.00001; ExAC 0.00001; gnomAD 0.00001; gnomAD exomes 0.00001.
gnomAD v4.1: 23 of 1,614,004 alleles (0.0014%); highest among the groups gnomAD compares: Non-Finnish European, 0.0019%; no homozygotes.

Submission:

Labcorp Genetics (formerly Invitae), Labcorp
Classification: Uncertain significance. Last evaluated: 2024-10-15. Review status: criteria provided, single submitter. Criteria: Invitae Variant Classification Sherloc (09022015). Collection method: clinical testing. Allele origin: germline.
Comment: This sequence change replaces threonine, which is neutral and polar, with isoleucine, which is neutral and non-polar, at codon 551 of the SPART protein (p.Thr551Ile). This variant is present in population databases (rs772034308, gnomAD 0.005%). This variant has not been reported in the literature in individuals affected with SPART-related conditions. ClinVar contains an entry for this variant (Variation ID: 2178086). Invitae Evidence Modeling of protein sequence and biophysical properties (such as structural, functional, and spatial information, amino acid conservation, physicochemical variation, residue mobility, and thermodynamic stability) has been performed for this missense variant. However, the output from this modeling did not meet the statistical confidence thresholds required to predict the impact of this variant on SPART protein function. In summary, the available evidence is currently insufficient to determine the role of this variant in disease. Therefore, it has been classified as a Variant of Uncertain Significance.